The following is an entry in ClinVar:

NM_001371596.2(MFSD8):c.529G>A (p.Ala177Thr)

Gene: MFSD8 (major facilitator superfamily domain containing 8; minus strand). Cytogenetic location: 4q28.2.
Variant type: single nucleotide variant.
Coding change: c.529G>A on transcript NM_001371596.2 (MANE Select); coding-DNA position 529, G replaced by A.
Protein change: p.Ala177Thr; replaces alanine 177 with threonine.
Molecular consequence: missense variant. On other transcripts: intron variant (4).
Genome position (GRCh38, 1-based): chr4:127,942,069, C>T on the plus strand (G>A on the coding strand, the complement: MFSD8 is on the minus strand). VCF-style: chr4-127942069-C-T. GRCh37 (hg19) VCF-style: chr4-128863224-C-T.
Other names: c.529G>A, p.Ala177Thr (NM_001363520.3, NM_001371591.2, NM_001371592.2 and 2 more transcripts); c.394G>A, p.Ala132Thr (NM_001371590.2, NM_001371595.1); c.304+1683G>A (NM_001410765.1); c.439+1683G>A (NM_001363521.3, NM_001410766.1, NM_001371593.2); short protein forms A177T, A132T.
Identifiers: ClinVar variation 575661 (VCV000575661.9), dbSNP rs1560751131, ClinGen allele CA358176093.

ClinVar aggregate classification (germline): Uncertain significance. Review status: criteria provided, multiple submitters, no conflicts (2 of 4 stars). 2 submissions from 2 submitters: Uncertain significance (2). Last evaluated 2024-10-29.

Conditions:
Neuronal ceroid lipofuscinosis 7 (CLN7). Also called: MFSD8-Related Neuronal Ceroid-Lipofuscinosis. Identifiers: Orphanet 168491, Orphanet 228366, MedGen C1838571, MONDO:0012588, OMIM 610951.

Allele frequency attached by ClinVar (database versions not stated): gnomAD exomes below 0.00001.

Submissions (2):

Labcorp Genetics (formerly Invitae), Labcorp
Classification: Uncertain significance for Neuronal ceroid lipofuscinosis 7. Last evaluated: 2024-10-29. Review status: criteria provided, single submitter. Criteria: Invitae Variant Classification Sherloc (09022015). Collection method: clinical testing. Allele origin: germline.
Comment: This sequence change replaces alanine, which is neutral and non-polar, with threonine, which is neutral and polar, at codon 177 of the MFSD8 protein (p.Ala177Thr). This variant is not present in population databases (gnomAD no frequency). This variant has not been reported in the literature in individuals affected with MFSD8-related conditions. ClinVar contains an entry for this variant (Variation ID: 575661). Invitae Evidence Modeling of protein sequence and biophysical properties (such as structural, functional, and spatial information, amino acid conservation, physicochemical variation, residue mobility, and thermodynamic stability) indicates that this missense variant is not expected to disrupt MFSD8 protein function with a negative predictive value of 80%. Algorithms developed to predict the effect of sequence changes on RNA splicing suggest that this variant may disrupt the consensus splice site. In summary, the available evidence is currently insufficient to determine the role of this variant in disease. Therefore, it has been classified as a Variant of Uncertain Significance.

GeneDx
Classification: Uncertain significance. Last evaluated: 2022-10-12. Review status: criteria provided, single submitter. Criteria: GeneDx Variant Classification Process June 2021. Collection method: clinical testing. Allele origin: germline. Affected: yes.
Comment: Not observed at significant frequency in large population cohorts (gnomAD); In silico analysis supports that this missense variant does not alter protein structure/function; Has not been previously published as pathogenic or benign to our knowledge